The following is an entry in ClinVar:

NM_000431.4(MVK):c.785C>T (p.Ala262Val)

Gene: MVK (mevalonate kinase; plus strand). Cytogenetic location: 12q24.11.
Variant type: single nucleotide variant.
Coding change: c.785C>T on transcript NM_000431.4 (MANE Select); coding-DNA position 785, C replaced by T.
Protein change: p.Ala262Val; replaces alanine 262 with valine.
Molecular consequence: missense variant.
Genome position (GRCh38, 1-based): chr12:109,591,257, C>T. VCF-style: chr12-109591257-C-T. GRCh37 (hg19) VCF-style: chr12-110029062-C-T.
Other names: p.Ala262Val; c.785C>T, p.Ala262Val (NM_001114185.3); c.629C>T, p.Ala210Val (NM_001301182.2); c.785C>T (LRG_156t1); short protein forms A262V, A210V.
Identifiers: ClinVar variation 450567 (VCV000450567.20), dbSNP rs763106439, ClinGen allele CA6779381.
Genomic context (GRCh38, chr12:109,591,257, plus strand): 5'-CCTGCCCCCAGGCCTCACCAGCCGTTCCTTCTTTTTTTCTCCAGTTCCCAGAGATCGTGG[C>T]CCCCCTCCTGACCTCAATAGATGCCATCTCCCTGGAGTGTGAGCGCGTGCTGGGAGAGAT-3'
Protein context (NP_000422.1, residues 252-272): NRLLKFPEIV[Ala262Val]PLLTSIDAIS

ClinVar aggregate classification (germline): Uncertain significance. Review status: criteria provided, multiple submitters, no conflicts (2 of 4 stars). 7 submissions from 7 submitters: Uncertain significance (7). Last evaluated 2026-02-12.

Conditions:
Inborn genetic diseases. Identifiers: MedGen C0950123, MeSH D030342.
Hyperimmunoglobulin D with periodic fever (HIDS). Also called: Hyperimmunoglobulinemia D with periodic fever; Hyperimmunoglobulinemia D; HYPERIMMUNOGLOBULINEMIA D AND PERIODIC FEVER SYNDROME. Identifiers: Orphanet 343, MedGen C0398691, MONDO:0009849, OMIM 260920.
Porokeratosis 3, disseminated superficial actinic type (POROK3). Also called: POROKERATOSIS, DISSEMINATED SUPERFICIAL ACTINIC, 1; POROKERATOSIS 3, MULTIPLE TYPES; POROKERATOSIS 3, MIBELLI TYPE. Identifiers: MedGen C1867981, MONDO:0008293, OMIM 175900.
Mevalonic aciduria (MEVA). Identifiers: Orphanet 29, MedGen C1959626, MONDO:0012481, OMIM 610377.

Allele frequency attached by ClinVar (database versions not stated): gnomAD exomes below 0.00001; ExAC 0.00001; gnomAD 0.00010 and 0.00011; TOPMed 0.00021.
gnomAD v4.1: 48 of 1,614,000 alleles (0.003%); highest among the groups gnomAD compares: Admixed American, 0.035%; no homozygotes.

Submissions (7):

Women's Health and Genetics/Laboratory Corporation of America, LabCorp
Classification: Uncertain significance. Last evaluated: 2026-02-12. Review status: criteria provided, single submitter. Criteria: LabCorp Variant Classification Summary - May 2015. Collection method: clinical testing. Allele origin: germline.
Comment: Variant summary: MVK c.785C>T (p.Ala262Val) results in a non-conservative amino acid change in the encoded protein sequence. Algorithms developed to predict the effect of missense changes on protein structure and function are either unavailable or do not agree on the potential impact of this missense change. The variant allele was found at a frequency of 4e-06 in 251406 control chromosomes. The available data on variant occurrences in the general population are insufficient to allow any conclusion about variant significance. To our knowledge, no occurrence of c.785C>T in individuals affected with MVK-related conditions and no experimental evidence demonstrating its impact on protein function have been reported. ClinVar contains an entry for this variant (Variation ID: 450567). Based on the evidence outlined above, the variant was classified as uncertain significance.

Labcorp Genetics (formerly Invitae), Labcorp
Classification: Uncertain significance for Mevalonic aciduria; Hyperimmunoglobulin D with periodic fever; Porokeratosis 3, disseminated superficial actinic type. Last evaluated: 2026-01-06. Review status: criteria provided, single submitter. Criteria: Invitae Variant Classification Sherloc (09022015). Collection method: clinical testing. Allele origin: germline.
Comment: This sequence change replaces alanine, which is neutral and non-polar, with valine, which is neutral and non-polar, at codon 262 of the MVK protein (p.Ala262Val). This variant is not present in population databases (gnomAD no frequency). This variant has not been reported in the literature in individuals affected with MVK-related conditions. ClinVar contains an entry for this variant (Variation ID: 450567). Invitae Evidence Modeling of protein sequence and biophysical properties (such as structural, functional, and spatial information, amino acid conservation, physicochemical variation, residue mobility, and thermodynamic stability) has been performed for this missense variant. However, the output from this modeling did not meet the statistical confidence thresholds required to predict the impact of this variant on MVK protein function. In summary, the available evidence is currently insufficient to determine the role of this variant in disease. Therefore, it has been classified as a Variant of Uncertain Significance.

Ambry Genetics
Classification: Uncertain significance for Inborn genetic diseases. Last evaluated: 2025-12-04. Review status: criteria provided, single submitter. Criteria: Ambry Variant Classification Scheme 2023. Collection method: clinical testing. Allele origin: germline.

Fulgent Genetics
Classification: Uncertain significance for Porokeratosis 3, disseminated superficial actinic type; Hyperimmunoglobulin D with periodic fever; Mevalonic aciduria. Last evaluated: 2022-04-01. Review status: criteria provided, single submitter. Criteria: ACMG Guidelines, 2015. Collection method: clinical testing. Allele origin: unknown.

GeneDx
Classification: Uncertain significance. Last evaluated: 2021-10-20. Review status: criteria provided, single submitter. Criteria: GeneDx Variant Classification Process June 2021. Collection method: clinical testing. Allele origin: germline. Affected: yes.
Comment: Not observed at significant frequency in large population cohorts (Lek et al., 2016); In silico analysis supports that this missense variant does not alter protein structure/function; Has not been previously published as pathogenic or benign to our knowledge

Mayo Clinic Laboratories, Mayo Clinic
Classification: Uncertain significance. Last evaluated: 2021-04-27. Review status: criteria provided, single submitter. Criteria: ACMG Guidelines, 2015. Collection method: clinical testing. Allele origin: germline.

Blueprint Genetics
Classification: Uncertain significance. Last evaluated: 2021-04-07. Review status: criteria provided, single submitter. Criteria: ACMG Guidelines, 2015. Collection method: clinical testing. Allele origin: germline.